The following is an entry in ClinVar:

ClinVar aggregate classification (germline): Uncertain significance. Review status: criteria provided, multiple submitters, no conflicts (2 of 4 stars). 4 submissions from 4 submitters: Uncertain significance (4). Last evaluated 2024-11-25.

Conditions:
Inborn genetic diseases. Identifiers: MedGen C0950123, MeSH D030342.
Joubert syndrome 16 (JBTS16). Identifiers: Orphanet 2318, MedGen C3280906, MONDO:0013764, OMIM 614465.

Allele frequency attached by ClinVar (database versions not stated): gnomAD 0.00001; gnomAD exomes 0.00001; TOPMed 0.00002.

Submissions (4):

Ambry Genetics
Classification: Uncertain significance for Inborn genetic diseases. Last evaluated: 2024-11-25. Review status: criteria provided, single submitter. Criteria: Ambry Variant Classification Scheme 2023. Collection method: clinical testing. Allele origin: germline.

Labcorp Genetics (formerly Invitae), Labcorp
Classification: Uncertain significance for Joubert syndrome 16. Last evaluated: 2024-11-14. Review status: criteria provided, single submitter. Criteria: Invitae Variant Classification Sherloc (09022015). Collection method: clinical testing. Allele origin: germline.
Comment: This sequence change replaces arginine, which is basic and polar, with cysteine, which is neutral and slightly polar, at codon 154 of the TMEM138 protein (p.Arg154Cys). This variant is present in population databases (rs201549469, gnomAD 0.007%). This variant has not been reported in the literature in individuals affected with TMEM138-related conditions. ClinVar contains an entry for this variant (Variation ID: 2152797). An algorithm developed to predict the effect of missense changes on protein structure and function (PolyPhen-2) suggests that this variant is likely to be disruptive. In summary, the available evidence is currently insufficient to determine the role of this variant in disease. Therefore, it has been classified as a Variant of Uncertain Significance.

Fulgent Genetics
Classification: Uncertain significance for Joubert syndrome 16. Last evaluated: 2023-12-27. Review status: criteria provided, single submitter. Criteria: ACMG Guidelines, 2015. Collection method: clinical testing. Allele origin: germline.

Blueprint Genetics
Classification: Uncertain significance. Last evaluated: 2021-09-06. Review status: criteria provided, single submitter. Criteria: ACMG Guidelines, 2015. Collection method: clinical testing. Allele origin: germline.

NM_016464.5(TMEM138):c.460C>T (p.Arg154Cys)

Gene: TMEM138 (transmembrane protein 138; plus strand). Cytogenetic location: 11q12.2.
Variant type: single nucleotide variant.
Coding change: c.460C>T on transcript NM_016464.5 (MANE Select); coding-DNA position 460, C replaced by T.
Protein change: p.Arg154Cys; replaces arginine 154 with cysteine.
Molecular consequence: missense variant. On other transcripts: non-coding transcript variant (1).
Genome position (GRCh38, 1-based): chr11:61,368,680, C>T. VCF-style: chr11-61368680-C-T. GRCh37 (hg19) VCF-style: chr11-61136152-C-T.
Other names: c.286C>T, p.Arg96Cys (NM_001330281.2); c.*524C>T (NM_001410999.1); c.460C>T (NM_016464.4); short protein forms R154C, R96C.
Identifiers: ClinVar variation 2152797 (VCV002152797.6), dbSNP rs201549469, ClinGen allele CA6034666.